The following is an entry in ClinVar:

NM_004656.4(BAP1):c.1588del (p.Val530fs)

Gene: BAP1 (BRCA1 associated deubiquitinase 1; minus strand). Cytogenetic location: 3p21.1.
Variant type: Deletion.
Coding change: c.1588del on transcript NM_004656.4 (MANE Select); coding-DNA position 1588, one base deleted (G; older notation c.1588delG).
Protein change: p.Val530fs; shifts the reading frame from valine 530.
Molecular consequence: frameshift variant.
Genome position (GRCh38, 1-based): chr3:52,403,557, C deleted on the plus strand (G on the coding strand, the reverse complement: BAP1 is on the minus strand); the first of 2 consecutive C bases (chr3:52,403,557-52,403,558); deleting either gives the same sequence. VCF-style (leftmost placement, unchanged base first): chr3-52403556-AC-A. GRCh37 (hg19) VCF-style: chr3-52437572-AC-A.
Other names: short protein forms V530fs.
Identifiers: ClinVar variation 1338674 (VCV001338674.9), dbSNP rs2153226657, ClinGen allele CA2573052220.

ClinVar aggregate classification (germline): Pathogenic/Likely pathogenic. Review status: criteria provided, multiple submitters, no conflicts (2 of 4 stars). 2 submissions from 2 submitters: Pathogenic (1); Likely pathogenic (1). Last evaluated 2021-11-29.

Conditions:
BAP1-related tumor predisposition syndrome (TPDS1). Also called: Tumor susceptibility linked to germline BAP1 mutations; TUMOR PREDISPOSITION SYNDROME 1; COMMON Syndrome; BAP1 tumor predisposition syndrome. Identifiers: Orphanet 289539, MedGen C3280492, MONDO:0013692, OMIM 614327.

Submissions (2):

Genetic Services Laboratory, University of Chicago
Classification: Likely pathogenic. Last evaluated: 2021-11-29. Review status: criteria provided, single submitter. Criteria: ACMG Guidelines, 2015. Collection method: clinical testing. Allele origin: germline. Affected: yes.
Comment: DNA sequence analysis of the BAP1 gene demonstrated a single base pair deletion in exon 13, c.1588del. This sequence change results in an amino acid frameshift and creates a premature stop codon 40 amino acids downstream of the change, p.Val530Cysfs*41. This sequence change is predicted to result in an abnormal transcript, which may be degraded, or may lead to the production of a truncated BAP1 protein with potentially abnormal function. This deletion does not appear to have been previously described in individuals with BAP1 -related disorders; however, other loss of function variants in the BAP1 gene have been described in several individuals with BAP1-related cancers (PMIDs: 21874000, 23684012). The c.1588del sequence change has not been described in the population databases such as ExAC and gnomAD. This sequence change is the likely cause of this individual's phenotype, however functional studies have not been performed to prove this conclusively.

Labcorp Genetics (formerly Invitae), Labcorp
Classification: Pathogenic for BAP1-related tumor predisposition syndrome. Last evaluated: 2021-03-01. Review status: criteria provided, single submitter. Criteria: Invitae Variant Classification Sherloc (09022015). Collection method: clinical testing. Allele origin: germline.
Comment: This sequence change creates a premature translational stop signal (p.Val530Cysfs*41) in the BAP1 gene. It is expected to result in an absent or disrupted protein product. Loss-of-function variants in BAP1 are known to be pathogenic (PMID: 21874000, 23684012). This variant is not present in population databases (ExAC no frequency). This variant has not been reported in the literature in individuals with BAP1-related conditions. Algorithms developed to predict the effect of sequence changes on RNA splicing suggest that this variant may create or strengthen a splice site, but this prediction has not been confirmed by published transcriptional studies. For these reasons, this variant has been classified as Pathogenic.

Literature cited by the submitters: PubMed 21874000 (cited by Labcorp Genetics (formerly Invitae), Labcorp); PubMed 23684012 (cited by Labcorp Genetics (formerly Invitae), Labcorp).